The following is an entry in ClinVar:

ClinVar aggregate classification (germline): Conflicting classifications of pathogenicity. Review status: criteria provided, conflicting classifications (1 of 4 stars). 8 submissions from 8 submitters: Pathogenic (5); Likely pathogenic (1); Uncertain significance (1). 1 of the submissions does not count toward it. Last evaluated 2025-08-24.

Conditions:
BBS7-related disorder. Also called: BBS7-related condition.
Bardet-Biedl syndrome (BBS). Identifiers: Orphanet 110, MedGen C0752166, MONDO:0015229.
Bardet-Biedl syndrome 7 (BBS7). Identifiers: Orphanet 110, MedGen C1859565, MONDO:0014435, OMIM 615984.

Allele frequency attached by ClinVar (database versions not stated): gnomAD 0.00001; gnomAD exomes 0.00001 and 0.00004; TOPMed 0.00002; ExAC 0.00003.
gnomAD v4.1: 16 of 1,612,934 alleles (0.00099%); highest among the groups gnomAD compares: East Asian, 0.029%; no homozygotes.

Submissions (8):

Labcorp Genetics (formerly Invitae), Labcorp
Classification: Pathogenic for Bardet-Biedl syndrome. Last evaluated: 2025-08-24. Review status: criteria provided, single submitter. Criteria: Invitae Variant Classification Sherloc (09022015). Collection method: clinical testing. Allele origin: germline.
Comment: This sequence change replaces cysteine, which is neutral and slightly polar, with tyrosine, which is neutral and polar, at codon 243 of the BBS7 protein (p.Cys243Tyr). This variant is present in population databases (rs727503821, gnomAD 0.06%). This missense change has been observed in individual(s) with clinical features of Bardet-Biedl syndrome (PMID: 23847139, 25553308, 26003401, 26325687, 33777945). In at least one individual the data is consistent with being in trans (on the opposite chromosome) from a pathogenic variant. It has also been observed to segregate with disease in related individuals. ClinVar contains an entry for this variant (Variation ID: 166738). Invitae Evidence Modeling of protein sequence and biophysical properties (such as structural, functional, and spatial information, amino acid conservation, physicochemical variation, residue mobility, and thermodynamic stability) indicates that this missense variant is expected to disrupt BBS7 protein function with a positive predictive value of 80%. For these reasons, this variant has been classified as Pathogenic.

3billion
Classification: Pathogenic for Bardet-Biedl syndrome 7. Last evaluated: 2025-03-14. Review status: criteria provided, single submitter. Criteria: ACMG Guidelines, 2015. Collection method: clinical testing. Allele origin: germline. Affected: yes.

Lab De Baere, Eye and Developmental Genetics Lab, Ghent University
Classification: Likely pathogenic for Bardet-Biedl syndrome. Last evaluated: 2024-10-01. Review status: criteria provided, single submitter. Criteria: ACMG Guidelines, 2015. Collection method: research. Allele origin: inherited. Affected: yes. Observed: 1 variant allele.
Comment: ACMG/AMP guidelines: PM2, PP3, PP1, PM3_PS

Blueprint Genetics
Classification: Pathogenic for BBS7-related disorders. Last evaluated: 2022-09-12. Review status: criteria provided, single submitter. Criteria: ACMG Guidelines, 2015. Collection method: clinical testing. Allele origin: germline. Affected: yes. Observed: 2 variant alleles.

Women's Health and Genetics/Laboratory Corporation of America, LabCorp
Classification: Pathogenic for Bardet-Biedl syndrome. Last evaluated: 2021-10-29. Review status: criteria provided, single submitter. Criteria: LabCorp Variant Classification Summary - May 2015. Collection method: clinical testing. Allele origin: germline.
Comment: Variant summary: BBS7 c.728G>A (p.Cys243Tyr) results in a non-conservative amino acid change in the encoded protein sequence. Five of five in-silico tools predict a damaging effect of the variant on protein function. The variant allele was found at a frequency of 4e-05 in 251116 control chromosomes, predominantly at a frequency of 0.00054 within the East Asian subpopulation in the gnomAD database. This frequency is not significantly higher than expected for a pathogenic variant in BBS7 causing Bardet-Biedl Syndrome (4e-05 vs 0.00062), allowing no conclusion about variant significance. c.728G>A has been reported in the literature as compound heterozygous and homozygous genotypes in multiple well phenotyped and comprehensively genotyped individuals affected with Bardet-Biedl Syndrome (example, Wang_2013, Knopp_2013, Shin_2015, Hirano_2015, Meng_2021). These data indicate that the variant is very likely to be associated with disease. To our knowledge, no experimental evidence demonstrating an impact on protein function has been reported. One clinical diagnostic laboratory has submitted clinical-significance assessments for this variant to ClinVar after 2014 without evidence for independent evaluation and classified the variant as pathogenic. Based on the evidence outlined above, the variant was classified as pathogenic.

Eurofins Ntd Llc (ga)
Classification: Uncertain significance. Last evaluated: 2014-01-30. Review status: criteria provided, single submitter. Criteria: EGL Classification Definitions 2015. Collection method: clinical testing. Allele origin: germline. Observed: 1 variant allele, 1 heterozygote.

Juno Genomics, Hangzhou Juno Genomics, Inc
Classification: Pathogenic for Bardet-Biedl syndrome 7. Review status: criteria provided, single submitter. Criteria: ACMG Guidelines, 2015. Collection method: clinical testing. Allele origin: germline. Affected: yes.
Comment: Absent from controls (or at extremely low frequency if recessive) in Genome Aggregation Database, Exome Sequencing Project, 1000 Genomes Project, or Exome Aggregation Consortium.;Multiple lines of computational evidence support a deleterious effect on the gene or gene product (conservation, evolutionary, splicing impact, etc).;For recessive disorders, detected in trans with a pathogenic variant.;Patient's phenotype or family history is highly specific for a disease with a single genetic etiology.;Co-segregation with disease in multiple affected family members in a gene definitively known to cause the disease.

Department of Pediatrics, National Cheng-Kung University Hospital
Classification: Pathogenic for Bardet-Biedl syndrome 7. Review status: no assertion criteria provided. Collection method: clinical testing. Allele origin: germline. Inheritance: Autosomal recessive inheritance. Affected: yes. Not counted in ClinVar's aggregate classification.

Literature cited by the submitters: PubMed 23847139 (cited by 3 submitters); PubMed 25553308 (cited by 3 submitters); PubMed 26003401 (cited by 3 submitters); PubMed 26325687 (cited by 3 submitters); PubMed 33777945 (cited by 3 submitters).

NM_176824.3(BBS7):c.728G>A (p.Cys243Tyr)

Gene: BBS7 (Bardet-Biedl syndrome 7; minus strand). Cytogenetic location: 4q27.
Variant type: single nucleotide variant.
Coding change: c.728G>A on transcript NM_176824.3 (MANE Select); coding-DNA position 728, G replaced by A.
Protein change: p.Cys243Tyr; replaces cysteine 243 with tyrosine.
Molecular consequence: missense variant.
Genome position (GRCh38, 1-based): chr4:121,853,077, C>T on the plus strand (G>A on the coding strand, the complement: BBS7 is on the minus strand). VCF-style: chr4-121853077-C-T. GRCh37 (hg19) VCF-style: chr4-122774232-C-T.
Other names: c.728G>A, p.Cys243Tyr (NM_018190.4); short protein forms C243Y.
Identifiers: ClinVar variation 166738 (VCV000166738.19), dbSNP rs727503821, ClinGen allele CA233521.
Genomic context (GRCh38, chr4:121,853,077, plus strand): 5'-TCATCTCTCCCAACAAGTAAATCTTTAACCCCATCACCCACAATGTCAAAGCTGTCAATA[C>T]ACAAAATACCTTTAAAAAGAGATATGTGATAAGTTATTAAGAAGACTAATAGTTATGGTC-3'
Protein context (NP_789794.1, residues 233-253): QNEKKRGGIL[Cys243Tyr]IDSFDIVGDG